The following is an entry in ClinVar:

ClinVar aggregate classification (germline): Uncertain significance (1 of 4 stars; one submission).

gnomAD v4.1: 1 of 1,614,006 alleles (0.000062%); highest among the groups gnomAD compares: Non-Finnish European, 0.000085%; no homozygotes.

Submission:

Labcorp Genetics (formerly Invitae), Labcorp
Classification: Uncertain significance. Last evaluated: 2024-10-16. Review status: criteria provided, single submitter. Criteria: Invitae Variant Classification Sherloc (09022015). Collection method: clinical testing. Allele origin: germline.
Comment: This sequence change replaces leucine, which is neutral and non-polar, with valine, which is neutral and non-polar, at codon 595 of the AP3B2 protein (p.Leu595Val). This variant is not present in population databases (gnomAD no frequency). This variant has not been reported in the literature in individuals affected with AP3B2-related conditions. ClinVar contains an entry for this variant (Variation ID: 2077312). An algorithm developed to predict the effect of missense changes on protein structure and function (PolyPhen-2) suggests that this variant is likely to be disruptive. In summary, the available evidence is currently insufficient to determine the role of this variant in disease. Therefore, it has been classified as a Variant of Uncertain Significance.

NM_001278512.2(AP3B2):c.1783C>G (p.Leu595Val)

Genes: AP3B2 (adaptor related protein complex 3 subunit beta 2; minus strand), CPEB1-AS1 (CPEB1 antisense RNA 1; plus strand). Cytogenetic location: 15q25.2.
Variant type: single nucleotide variant.
Coding change: c.1783C>G on transcript NM_001278512.2 (MANE Select); coding-DNA position 1783, C replaced by G.
Protein change: p.Leu595Val; replaces leucine 595 with valine.
Molecular consequence: missense variant.
Genome position (GRCh38, 1-based): chr15:82,666,816, G>C on the plus strand (C>G on the coding strand, the complement: AP3B2 is on the minus strand). VCF-style: chr15-82666816-G-C. GRCh37 (hg19) VCF-style: chr15-83335568-G-C.
Other names: c.1687C>G, p.Leu563Val (NM_001278511.2); c.1783C>G, p.Leu595Val (NM_004644.5); short protein forms L563V, L595V.
Identifiers: ClinVar variation 2077312 (VCV002077312.4), dbSNP rs747568488, ClinGen allele CA393313904.